The following is an entry in ClinVar:

NM_004700.4(KCNQ4):c.375G>A (p.Gln125=)

Gene: KCNQ4 (potassium voltage-gated channel subfamily Q member 4; plus strand). Cytogenetic location: 1p34.2.
Variant type: single nucleotide variant.
Coding change: c.375G>A on transcript NM_004700.4 (MANE Select); coding-DNA position 375, G replaced by A.
Protein change: p.Gln125=; no amino-acid change (glutamine 125 retained).
Molecular consequence: synonymous variant.
Genome position (GRCh38, 1-based): chr1:40,817,325, G>A. VCF-style: chr1-40817325-G-A. GRCh37 (hg19) VCF-style: chr1-41282997-G-A.
Other names: c.375G>A, p.Gln125= (NM_172163.3).
Identifiers: ClinVar variation 5041192 (VCV005041192.1).

ClinVar aggregate classification (germline): Uncertain significance (1 of 4 stars; one submission).

gnomAD v4.1: 4 of 1,613,906 alleles (0.00025%); highest among the groups gnomAD compares: Non-Finnish European, 0.00034%; no homozygotes.

Submission:

CeGaT Center for Human Genetics Tuebingen
Classification: Uncertain significance. Last evaluated: 2026-09-01. Review status: criteria provided, single submitter. Criteria: CeGaT Center For Human Genetics Tuebingen Variant Classification Criteria Version 2. Collection method: clinical testing. Allele origin: germline. Affected: yes. Observed: 1 variant allele.
Comment: KCNQ4: PM2:Supporting, BP4